The following is an entry in ClinVar:

ClinVar aggregate classification (germline): Uncertain significance. Review status: criteria provided, multiple submitters, no conflicts (2 of 4 stars). 4 submissions from 4 submitters: Uncertain significance (4). Last evaluated 2023-02-10.

Conditions:
Interstitial lung disease due to ABCA3 deficiency. Also called: PULMONARY ALVEOLAR PROTEINOSIS, CONGENITAL, 3. Identifiers: Orphanet 440402, MedGen C1970456, MONDO:0012582, OMIM 610921.

Allele frequency attached by ClinVar (database versions not stated): ESP Exome Variant Server 0.00008; gnomAD 0.00010; ExAC 0.00011; TOPMed 0.00011; 1000 Genomes Project 30x 0.00016; gnomAD exomes 0.00016; 1000 Genomes Project 0.00020.
gnomAD v4.1: 116 of 1,611,524 alleles (0.0072%); highest among the groups gnomAD compares: Admixed American, 0.032%; no homozygotes.

Submissions (4):

Blueprint Genetics
Classification: Uncertain significance. Last evaluated: 2023-02-10. Review status: criteria provided, single submitter. Criteria: ACMG Guidelines, 2015. Collection method: clinical testing. Allele origin: germline.

GeneDx
Classification: Uncertain significance. Last evaluated: 2022-11-08. Review status: criteria provided, single submitter. Criteria: GeneDx Variant Classification Process June 2021. Collection method: clinical testing. Allele origin: germline. Affected: yes.
Comment: In silico analysis supports that this missense variant does not alter protein structure/function; Has not been previously reported as pathogenic or benign in association with surfactant dysfunction to our knowledge; This variant is associated with the following publications: (PMID: 30129429, 23166334)

Labcorp Genetics (formerly Invitae), Labcorp
Classification: Uncertain significance. Last evaluated: 2022-08-09. Review status: criteria provided, single submitter. Criteria: Invitae Variant Classification Sherloc (09022015). Collection method: clinical testing. Allele origin: germline.
Comment: This sequence change replaces arginine, which is basic and polar, with glutamine, which is neutral and polar, at codon 1457 of the ABCA3 protein (p.Arg1457Gln). This variant is present in population databases (rs201226715, gnomAD 0.08%). This variant has not been reported in the literature in individuals affected with ABCA3-related conditions. ClinVar contains an entry for this variant (Variation ID: 887345). Algorithms developed to predict the effect of missense changes on protein structure and function output the following: SIFT: "Deleterious"; PolyPhen-2: "Benign"; Align-GVGD: "Class C0". The glutamine amino acid residue is found in multiple mammalian species, which suggests that this missense change does not adversely affect protein function. In summary, the available evidence is currently insufficient to determine the role of this variant in disease. Therefore, it has been classified as a Variant of Uncertain Significance.

Illumina Laboratory Services, Illumina
Classification: Uncertain significance for Interstitial lung disease due to ABCA3 deficiency. Last evaluated: 2017-12-27. Review status: criteria provided, single submitter. Criteria: ICSL Variant Classification Criteria 13 December 2019. Collection method: clinical testing. Allele origin: germline.
Comment: This variant was observed as part of a predisposition screen in an ostensibly healthy population. A literature search was performed for the gene, cDNA change, and amino acid change (where applicable). Publications were found based on this search. However, the evidence from the literature, in combination with allele frequency data from public databases where available, was not sufficient to rule this variant in or out of causing disease. Therefore, this variant is classified as a variant of unknown significance.

Literature cited by the submitters: PubMed 23166334 (cited by Illumina Laboratory Services, Illumina).

NM_001089.3(ABCA3):c.4370G>A (p.Arg1457Gln)

Gene: ABCA3 (ATP binding cassette subfamily A member 3; minus strand). Cytogenetic location: 16p13.3.
Variant type: single nucleotide variant.
Coding change: c.4370G>A on transcript NM_001089.3 (MANE Select); coding-DNA position 4370, G replaced by A.
Protein change: p.Arg1457Gln; replaces arginine 1457 with glutamine.
Molecular consequence: missense variant.
Genome position (GRCh38, 1-based): chr16:2,279,120, C>T on the plus strand (G>A on the coding strand, the complement: ABCA3 is on the minus strand). VCF-style: chr16-2279120-C-T. GRCh37 (hg19) VCF-style: chr16-2329121-C-T.
Other names: short protein forms R1457Q.
Identifiers: ClinVar variation 887345 (VCV000887345.8), dbSNP rs201226715, ClinGen allele CA7840140.
Genomic context (GRCh38, chr16:2,279,120, plus strand): 5'-AGCATCTCCCGGCCTGTCATGTGGTCCAGCAAGGCATCAAACTGCGGGCAGTAGCCGATC[C>T]GCTGCCGCACCTGGGGTCGGAGCATAGCCGGGGAGGGAGGCGGGTTGGAGGGAAGCCTCC-3'
Protein context (NP_001080.2, residues 1447-1467): ISSDVGKVRQ[Arg1457Gln]IGYCPQFDAL